The following is an entry in ClinVar:

NM_001134407.3(GRIN2A):c.2464T>C (p.Tyr822His)

Gene: GRIN2A (glutamate ionotropic receptor NMDA type subunit 2A; minus strand). Cytogenetic location: 16p13.2.
Variant type: single nucleotide variant.
Coding change: c.2464T>C on transcript NM_001134407.3 (MANE Select); coding-DNA position 2464, T replaced by C.
Protein change: p.Tyr822His; replaces tyrosine 822 with histidine.
Molecular consequence: missense variant.
Genome position (GRCh38, 1-based): chr16:9,768,982, A>G on the plus strand (T>C on the coding strand, the complement: GRIN2A is on the minus strand). VCF-style: chr16-9768982-A-G. GRCh37 (hg19) VCF-style: chr16-9862839-A-G.
Other names: c.2464T>C, p.Tyr822His (NM_000833.5, NM_001134408.2); short protein forms Y822H.
Identifiers: ClinVar variation 1697172 (VCV001697172.2), dbSNP rs2141150718, ClinGen allele CA394710081.
Genomic context (GRCh38, chr16:9,768,982, plus strand): 5'-AGAAGAGGTGCTCCCAGATGAAGGTGATGAGGCTAAGGGCCATGGCGGCAGCCAGCATGT[A>G]GAATACGCCCGCCATGTTGTCAATGTCCAGCTGGCTGCTCATCACCTCGTTCTTCTCGTT-3'
Protein context (NP_001127879.1, residues 812-832): LDIDNMAGVF[Tyr822His]MLAAAMALSL

ClinVar aggregate classification (germline): Uncertain significance (1 of 4 stars; one submission).

Submission:

GeneDx
Classification: Uncertain significance. Last evaluated: 2022-01-18. Review status: criteria provided, single submitter. Criteria: GeneDx Variant Classification Process June 2021. Collection method: clinical testing. Allele origin: germline. Affected: yes.
Comment: Not observed at significant frequency in large population cohorts (gnomAD); In silico analysis supports that this missense variant has a deleterious effect on protein structure/function; Has not been previously published as pathogenic or benign to our knowledge; This variant is associated with the following publications: (PMID: 27839871)